The following is an entry in ClinVar:

NM_004168.4(SDHA):c.336G>A (p.Gly112=)

Gene: SDHA (succinate dehydrogenase complex flavoprotein subunit A; plus strand). Cytogenetic location: 5p15.33.
Variant type: single nucleotide variant.
Coding change: c.336G>A on transcript NM_004168.4 (MANE Select); coding-DNA position 336, G replaced by A.
Protein change: p.Gly112=; no amino-acid change (glycine 112 retained).
Molecular consequence: synonymous variant. On other transcripts: intron variant (1).
Genome position (GRCh38, 1-based): chr5:225,442, G>A. VCF-style: chr5-225442-G-A. GRCh37 (hg19) VCF-style: chr5-225557-G-A.
Other names: c.336G>A (NM_004168.2); c.336G>A, p.Gly112= (NM_001330758.2); c.313-441G>A (NM_001294332.2).
Identifiers: ClinVar variation 2017846 (VCV002017846.7), dbSNP rs375645919, ClinGen allele CA442690965.
Genomic context (GRCh38, chr5:225,442, plus strand): 5'-CTGTTTGTGGCTTGTAAGGAGTGGTTGGTGTTTCCAGGGAGGAATCAATGCTGCTCTGGG[G>A]AACATGGAGGAGGACAACTGGAGGTGGCATTTCTACGACACCGTGAAGGGCTCCGACTGG-3'
Protein context (NP_004159.2, residues 102-122): AAQGGINAAL[Gly112=]NMEEDNWRWH

ClinVar aggregate classification (germline): Benign/Likely benign. Review status: criteria provided, multiple submitters, no conflicts (2 of 4 stars). 3 submissions from 3 submitters: Benign (1); Likely benign (2). Last evaluated 2025-02-28.

Conditions:
Pheochromocytoma/paraganglioma syndrome 5. Also called: Paragangliomas 5; SDHA-Related Hereditary Paraganglioma-Pheochromocytoma Syndrome. Identifiers: Orphanet 29072, MedGen C3279992, MONDO:0013602, OMIM 614165.
Mitochondrial complex II deficiency, nuclear type 1. Also called: SUCCINATE CoQ REDUCTASE DEFICIENCY. Identifiers: Orphanet 3208, MedGen C5700310, MONDO:0100294, OMIM 252011.
Hereditary cancer-predisposing syndrome. Also called: Hereditary Cancer Syndrome; Hereditary neoplastic syndrome; Neoplastic Syndromes, Hereditary; Tumor predisposition. Identifiers: Orphanet 140162, MedGen C0027672, MeSH D009386, MONDO:0015356.

gnomAD v4.1: 4 of 1,612,872 alleles (0.00025%); highest among the groups gnomAD compares: Non-Finnish European, 0.00034%; no homozygotes.

Submissions (3):

Myriad Genetics, Inc.
Classification: Benign for Pheochromocytoma/paraganglioma syndrome 5. Last evaluated: 2025-02-28. Review status: criteria provided, single submitter. Criteria: Myriad Autosomal Dominant, Autosomal Recessive and X-Linked Classification Criteria (2023). Collection method: clinical testing. Allele origin: unknown.
Comment: This variant is considered benign. This variant is a silent/synonymous amino acid change and it is not expected to impact splicing.

Labcorp Genetics (formerly Invitae), Labcorp
Classification: Likely benign for Pheochromocytoma/paraganglioma syndrome 5; Mitochondrial complex II deficiency, nuclear type 1. Last evaluated: 2024-02-13. Review status: criteria provided, single submitter. Criteria: Invitae Variant Classification Sherloc (09022015). Collection method: clinical testing. Allele origin: germline.

Ambry Genetics
Classification: Likely benign for Hereditary cancer-predisposing syndrome. Last evaluated: 2023-06-30. Review status: criteria provided, single submitter. Criteria: Ambry Variant Classification Scheme 2023. Collection method: clinical testing. Allele origin: germline.